The following is an entry in ClinVar:

ClinVar aggregate classification (germline): Uncertain significance (1 of 4 stars; one submission).

Conditions:
Nance-Horan syndrome (NHS). Identifiers: Orphanet 627, MedGen C0796085, MONDO:0010545, OMIM 302350.

Allele frequency attached by ClinVar (database versions not stated): gnomAD exomes below 0.00001; gnomAD 0.00001; TOPMed 0.00001.
gnomAD v4.1: 6 of 1,209,749 alleles (0.0005%); highest among the groups gnomAD compares: Admixed American, 0.0022%; no homozygotes.

Submission:

Labcorp Genetics (formerly Invitae), Labcorp
Classification: Uncertain significance for Nance-Horan syndrome. Last evaluated: 2023-09-10. Review status: criteria provided, single submitter. Criteria: Invitae Variant Classification Sherloc (09022015). Collection method: clinical testing. Allele origin: germline.
Comment: In summary, the available evidence is currently insufficient to determine the role of this variant in disease. Therefore, it has been classified as a Variant of Uncertain Significance. Advanced modeling of protein sequence and biophysical properties (such as structural, functional, and spatial information, amino acid conservation, physicochemical variation, residue mobility, and thermodynamic stability) performed at Invitae indicates that this missense variant is not expected to disrupt NHS protein function. This variant has not been reported in the literature in individuals affected with NHS-related conditions. This variant is present in population databases (no rsID available, gnomAD 0.002%). This sequence change replaces isoleucine, which is neutral and non-polar, with valine, which is neutral and non-polar, at codon 305 of the NHS protein (p.Ile305Val).

NM_001291867.2(NHS):c.976A>G (p.Ile326Val)

Gene: NHS (NHS actin remodeling regulator; plus strand). Cytogenetic location: Xp22.13.
Variant type: single nucleotide variant.
Coding change: c.976A>G on transcript NM_001291867.2 (MANE Select); coding-DNA position 976, A replaced by G.
Protein change: p.Ile326Val; replaces isoleucine 326 with valine.
Molecular consequence: missense variant.
Genome position (GRCh38, 1-based): chrX:17,721,501, A>G. VCF-style: chrX-17721501-A-G. GRCh37 (hg19) VCF-style: chrX-17739621-A-G.
Other names: c.445A>G, p.Ile149Val (NM_001136024.4); c.382A>G, p.Ile128Val (NM_001291868.2); c.913A>G, p.Ile305Val (NM_198270.4); short protein forms I128V, I326V, I149V, I305V.
Identifiers: ClinVar variation 2728965 (VCV002728965.3), dbSNP rs917356758, ClinGen allele CA326965537.